The following is an entry in ClinVar:

ClinVar aggregate classification (germline): Likely pathogenic. Review status: criteria provided, single submitter (1 of 4 stars). 2 submissions from 2 submitters: Likely pathogenic (1). 1 of the submissions does not count toward it. Last evaluated 2026-04-14.

Conditions:
Familial intrahepatic cholestasis. Identifiers: Orphanet 284385, MedGen CN296401, MONDO:0017290.
Progressive familial intrahepatic cholestasis type 3. Also called: MDR3 DEFICIENCY; Low Gamma-GT Familial Intrahepatic Cholestasis. Identifiers: Orphanet 79305, MedGen C1865643, MONDO:0011214, OMIM 602347.

Submissions (2):

Genomenon, Inc
Classification: Likely pathogenic for Familial intrahepatic cholestasis. Last evaluated: 2026-04-14. Review status: criteria provided, single submitter. Criteria: Genomenon Sequence Variant Interpretation Standards - Updated. Collection method: curation. Allele origin: germline. Affected: yes.
Comment: ABCB4 p.Tyr403His (c.1207T>C) is a missense variant that changes the amino acid at residue 403 from Tyrosine to Histidine. This variant has been observed in at least one proband with an ABCB4-related disorder (PMID:21119540). At least one functional study has demonstrated a substantial alteration in protein function relative to the wild-type (PMID:36674751;24045840). It is absent or not present at a significant frequency in gnomAD. In silico models predict that this variant is possibly or probably damaging. In conclusion, we classify ABCB4 p.Tyr403His (c.1207T>C) as a likely pathogenic variant.

OMIM
Classification: Pathogenic for CHOLESTASIS, PROGRESSIVE FAMILIAL INTRAHEPATIC 3. Last evaluated: 1998-01-06. Review status: no assertion criteria provided. Collection method: literature only. Allele origin: germline. Not counted in ClinVar's aggregate classification.

Literature cited by the submitters: PubMed 21119540 (cited by Genomenon, Inc); PubMed 36674751 (cited by Genomenon, Inc); PubMed 24045840 (cited by Genomenon, Inc); PubMed 9419367 (cited by OMIM).

NM_000443.4(ABCB4):c.1207T>C (p.Tyr403His)

Gene: ABCB4 (ATP binding cassette subfamily B member 4; minus strand). Cytogenetic location: 7q21.12.
Variant type: single nucleotide variant.
Coding change: c.1207T>C on transcript NM_000443.4 (MANE Select); coding-DNA position 1207, T replaced by C.
Protein change: p.Tyr403His; replaces tyrosine 403 with histidine.
Molecular consequence: missense variant.
Genome position (GRCh38, 1-based): chr7:87,443,686, A>G on the plus strand (T>C on the coding strand, the complement: ABCB4 is on the minus strand). VCF-style: chr7-87443686-A-G. GRCh37 (hg19) VCF-style: chr7-87073002-A-G.
Other names: c.1207T>C, p.Tyr403His (NM_018849.3, NM_018850.3); short protein forms Y403H.
Identifiers: ClinVar variation 13695 (VCV000013695.2), dbSNP rs121918443, ClinGen allele CA123366.
Genomic context (GRCh38, chr7:87,443,686, plus strand): 5'-CTCAGTTAGGAATTCCTATAAATATTACTTACAGTACCTTGACGTTAGCTCGAGAAGGGT[A>G]AGAAAAGTGAACATCATTGAACTCCAAATTCCCTTTGATGCTGTCTGGTTTGTGTCCTCT-3'
Protein context (NP_000434.1, residues 393-413): NLEFNDVHFS[Tyr403His]PSRANVKILK